The following is an entry in ClinVar:

NM_001130438.3(SPTAN1):c.4834C>T (p.Arg1612Cys)

Gene: SPTAN1 (spectrin alpha, non-erythrocytic 1; plus strand). Cytogenetic location: 9q34.11.
Variant type: single nucleotide variant.
Coding change: c.4834C>T on transcript NM_001130438.3 (MANE Select); coding-DNA position 4834, C replaced by T.
Protein change: p.Arg1612Cys; replaces arginine 1612 with cysteine.
Molecular consequence: missense variant.
Genome position (GRCh38, 1-based): chr9:128,611,774, C>T. VCF-style: chr9-128611774-C-T. GRCh37 (hg19) VCF-style: chr9-131374053-C-T.
Other names: c.4759C>T, p.Arg1587Cys (NM_001195532.2); c.4834C>T, p.Arg1612Cys (NM_001363759.2, NM_001375310.1, NM_001375311.2 and 1 more transcripts); c.4774C>T, p.Arg1592Cys (NM_001363765.2, NM_001375314.2); c.4870C>T, p.Arg1624Cys (NM_001375312.2, NM_001375318.1); c.4819C>T, p.Arg1607Cys (NM_003127.4); short protein forms R1624C, R1587C, R1592C, R1607C, R1612C.
Identifiers: ClinVar variation 2970492 (VCV002970492.3), dbSNP rs2541834220, ClinGen allele CA375070367.

ClinVar aggregate classification (germline): Uncertain significance (1 of 4 stars; one submission).

Conditions:
Early-infantile DEE. Also called: Early infantile epileptic encephalopathy; Ohtahara syndrome; Early infantile epileptic encephalopathy with suppression bursts. Identifiers: Orphanet 1934, MedGen C0393706, MONDO:0800491.

Allele frequency attached by ClinVar (database versions not stated): gnomAD exomes below 0.00001.
gnomAD v4.1: 4 of 1,614,128 alleles (0.00025%); highest among the groups gnomAD compares: African/African-American, 0.0013%; no homozygotes.

Submission:

Labcorp Genetics (formerly Invitae), Labcorp
Classification: Uncertain significance for Early-infantile DEE. Last evaluated: 2023-06-23. Review status: criteria provided, single submitter. Criteria: Invitae Variant Classification Sherloc (09022015). Collection method: clinical testing. Allele origin: germline.
Comment: In summary, the available evidence is currently insufficient to determine the role of this variant in disease. Therefore, it has been classified as a Variant of Uncertain Significance. Advanced modeling of protein sequence and biophysical properties (such as structural, functional, and spatial information, amino acid conservation, physicochemical variation, residue mobility, and thermodynamic stability) has been performed at Invitae for this missense variant, however the output from this modeling did not meet the statistical confidence thresholds required to predict the impact of this variant on SPTAN1 protein function. This variant has not been reported in the literature in individuals affected with SPTAN1-related conditions. This variant is not present in population databases (gnomAD no frequency). This sequence change replaces arginine, which is basic and polar, with cysteine, which is neutral and slightly polar, at codon 1612 of the SPTAN1 protein (p.Arg1612Cys).